The following is an entry in ClinVar:

NM_000363.5(TNNI3):c.26C>G (p.Ala9Gly)

Gene: TNNI3 (troponin I3, cardiac type; minus strand). Cytogenetic location: 19q13.42.
Variant type: single nucleotide variant.
Coding change: c.26C>G on transcript NM_000363.5 (MANE Select); coding-DNA position 26, C replaced by G.
Protein change: p.Ala9Gly; replaces alanine 9 with glycine.
Molecular consequence: missense variant.
Genome position (GRCh38, 1-based): chr19:55,157,132, G>C on the plus strand (C>G on the coding strand, the complement: TNNI3 is on the minus strand). VCF-style: chr19-55157132-G-C. GRCh37 (hg19) VCF-style: chr19-55668500-G-C.
Other names: short protein forms A9G.
Identifiers: ClinVar variation 3809043 (VCV003809043.1).
Genomic context (GRCh38, chr19:55,157,132, plus strand): 5'-TAAGCGCGGTAGTTGGAGGAGCGGCGTCTGATTGGGGCTGGTGCAGGGCGAGGTTCCCTA[G>C]CCTGGGTTAGGAGGAGTGGGGACCCCATCACCACCAAGACCCCACCCAGCCCTTACCGTA-3'
Protein context (NP_000354.4, residues 1-19): MADGSSDA[Ala9Gly]REPRPAPAPI

ClinVar aggregate classification (germline): Uncertain significance (1 of 4 stars; one submission).

Conditions:
Cardiovascular phenotype. Identifiers: MedGen CN230736.

Submission:

Ambry Genetics
Classification: Uncertain significance for Cardiovascular phenotype. Last evaluated: 2025-02-04. Review status: criteria provided, single submitter. Criteria: Ambry Variant Classification Scheme 2023. Collection method: clinical testing. Allele origin: germline.
Comment: The p.A9G variant (also known as c.26C>G), located in coding exon 3 of the TNNI3 gene, results from a C to G substitution at nucleotide position 26. The alanine at codon 9 is replaced by glycine, an amino acid with similar properties. This amino acid position is conserved. In addition, this alteration is predicted to be tolerated by in silico analysis. Based on the available evidence, the clinical significance of this variant remains unclear.